The following is an entry in ClinVar:

ClinVar aggregate classification (germline): Likely benign. Review status: criteria provided, multiple submitters, no conflicts (2 of 4 stars). 2 submissions from 2 submitters: Likely benign (2). Last evaluated 2024-09-17.

Conditions:
Hereditary diffuse gastric adenocarcinoma (HDGC). Also called: DIFFUSE GASTRIC AND LOBULAR BREAST CANCER SYNDROME. Identifiers: Orphanet 26106, MedGen C1708349, MONDO:0007648, OMIM 137215.

Submissions (2):

Myriad Genetics, Inc.
Classification: Likely benign for Hereditary diffuse gastric adenocarcinoma. Last evaluated: 2024-09-17. Review status: criteria provided, single submitter. Criteria: Myriad Autosomal Dominant, Autosomal Recessive and X-Linked Classification Criteria (2023). Collection method: clinical testing. Allele origin: unknown.
Comment: This variant is considered likely benign. This variant is intronic and is not expected to impact mRNA splicing.

Labcorp Genetics (formerly Invitae), Labcorp
Classification: Likely benign for Hereditary diffuse gastric adenocarcinoma. Last evaluated: 2024-01-02. Review status: criteria provided, single submitter. Criteria: Invitae Variant Classification Sherloc (09022015). Collection method: clinical testing. Allele origin: germline.

NM_004360.5(CDH1):c.1009-10C>T

Gene: CDH1 (cadherin 1; plus strand). Cytogenetic location: 16q22.1.
Variant type: single nucleotide variant.
Coding change: c.1009-10C>T on transcript NM_004360.5 (MANE Select); 10 bases into the intron before coding-DNA position 1009, C replaced by T.
Molecular consequence: intron variant.
Genome position (GRCh38, 1-based): chr16:68,812,125, C>T. VCF-style: chr16-68812125-C-T. GRCh37 (hg19) VCF-style: chr16-68846028-C-T.
Other names: c.1009-10C>T (LRG_301t1, NM_001317184.2); c.-607-10C>T (NM_001317185.2); c.-811-10C>T (NM_001317186.2).
Identifiers: ClinVar variation 414049 (VCV000414049.13), dbSNP rs1060504171, ClinGen allele CA16615379.